The following is an entry in ClinVar:

NM_005199.5(CHRNG):c.1286_1289del (p.Gly429fs)

Genes: CHRNG (cholinergic receptor nicotinic gamma subunit; plus strand), TIGD1 (tigger transposable element derived 1; minus strand). Cytogenetic location: 2q37.1.
Variant type: Deletion.
Coding change: c.1286_1289del on transcript NM_005199.5 (MANE Select); coding-DNA positions 1286 to 1289, 4 bases deleted (GCAG; older notation c.1286_1289delGCAG).
Protein change: p.Gly429fs; shifts the reading frame from glycine 429.
Molecular consequence: frameshift variant. On other transcripts: 3 prime UTR variant (1).
Genome position (GRCh38, 1-based): chr2:232,544,808-232,544,811, GCAG deleted; deleting any 4 consecutive bases within chr2:232,544,807-232,544,811 gives the same sequence; the c. name uses the placement nearest the transcript's 3' end. VCF-style (leftmost placement, unchanged base first): chr2-232544806-TGGCA-T. GRCh37 (hg19) VCF-style: chr2-233409516-TGGCA-T.
Other names: c.*3297_*3300del (NM_145702.4); short protein forms G429fs.
Identifiers: ClinVar variation 2856826 (VCV002856826.3), dbSNP rs2469755510, ClinGen allele CA2739279086.

ClinVar aggregate classification (germline): Pathogenic (1 of 4 stars; one submission).

Submission:

Labcorp Genetics (formerly Invitae), Labcorp
Classification: Pathogenic. Last evaluated: 2023-08-23. Review status: criteria provided, single submitter. Criteria: Invitae Variant Classification Sherloc (09022015). Collection method: clinical testing. Allele origin: germline.
Comment: This sequence change creates a premature translational stop signal (p.Gly429Alafs*2) in the CHRNG gene. It is expected to result in an absent or disrupted protein product. Loss-of-function variants in CHRNG are known to be pathogenic (PMID: 16826520). This variant is not present in population databases (gnomAD no frequency). This variant has not been reported in the literature in individuals affected with CHRNG-related conditions. For these reasons, this variant has been classified as Pathogenic.

Literature cited by the submitters: PubMed 16826520.